The following is an entry in ClinVar:

ClinVar aggregate classification (germline): Likely benign. Review status: criteria provided, multiple submitters, no conflicts (2 of 4 stars). 6 submissions from 6 submitters: Likely benign (5). 1 of the submissions does not count toward it. Last evaluated 2026-07-01.

Conditions:
CFTR-related disorder (CFTR-RD). Also called: CFTR-related disorders; CFTR-related condition. Identifiers: MedGen C5924204, MONDO:7770004.

Allele frequency attached by ClinVar (database versions not stated): 1000 Genomes Project 30x 0.00328; 1000 Genomes Project 0.00359; TOPMed 0.00395; gnomAD 0.00623 and 0.00636.
gnomAD v4.1: 939 of 152,142 alleles (0.62%); highest among the groups gnomAD compares: Non-Finnish European, 0.82%; 7 homozygotes.

Submissions (6):

CeGaT Center for Human Genetics Tuebingen
Classification: Likely benign. Last evaluated: 2026-07-01. Review status: criteria provided, single submitter. Criteria: CeGaT Center For Human Genetics Tuebingen Variant Classification Criteria Version 2. Collection method: clinical testing. Allele origin: germline. Affected: yes. Observed: 16 variant alleles.
Comment: CFTR: BS2

Mayo Clinic Laboratories, Mayo Clinic
Classification: Likely benign. Last evaluated: 2025-09-10. Review status: criteria provided, single submitter. Criteria: ACMG Guidelines, 2015. Collection method: clinical testing. Allele origin: germline. Observed: 13 variant alleles.
Comment: BP4, BP7

Quest Diagnostics Nichols Institute San Juan Capistrano
Classification: Likely benign. Last evaluated: 2025-06-05. Review status: criteria provided, single submitter. Criteria: Quest Diagnostics criteria. Collection method: clinical testing. Allele origin: unknown.

Blueprint Genetics
Classification: Likely benign. Last evaluated: 2024-11-27. Review status: criteria provided, single submitter. Criteria: ACMG Guidelines, 2015. Collection method: clinical testing. Allele origin: germline.

Laboratory for Molecular Medicine, Mass General Brigham Personalized Medicine
Classification: Likely benign. Last evaluated: 2015-10-12. Review status: criteria provided, single submitter. Criteria: LMM Criteria. Collection method: clinical testing. Allele origin: germline. Observed: 1 variant allele.
Comment: c.1680-871A>G in intron 12 of CFTR: This variant is not expected to have clinica l significance because it has been identified in 0.36% (18/5008) of ACB chromoso mes by the 1000 Genomes Project (dbSNP rs572658447).

PreventionGenetics, part of Exact Sciences
Classification: Benign for CFTR-related condition. Last evaluated: 2020-02-25. Review status: no assertion criteria provided. Collection method: clinical testing. Allele origin: germline. Not counted in ClinVar's aggregate classification.
Comment: This variant is classified as benign based on ACMG/AMP sequence variant interpretation guidelines (Richards et al. 2015 PMID: 25741868, with internal and published modifications).

Literature cited by the submitters: PubMed 26436105 (cited by Mayo Clinic Laboratories, Mayo Clinic and Quest Diagnostics Nichols Institute San Juan Capistrano); PubMed 36409994 (cited by Quest Diagnostics Nichols Institute San Juan Capistrano).

NM_000492.4(CFTR):c.1680-871A>G

Gene: CFTR (CF transmembrane conductance regulator; plus strand). Cytogenetic location: 7q31.2.
Variant type: single nucleotide variant.
Coding change: c.1680-871A>G on transcript NM_000492.4 (MANE Select); 871 bases into the intron before coding-DNA position 1680, A replaced by G.
Molecular consequence: intron variant.
Genome position (GRCh38, 1-based): chr7:117,589,482, A>G. VCF-style: chr7-117589482-A-G. GRCh37 (hg19) VCF-style: chr7-117229536-A-G.
Other names: p.=.
Identifiers: ClinVar variation 227244 (VCV000227244.42), dbSNP rs572658447, ClinGen allele CA10576716.